The following is an entry in ClinVar:

ClinVar aggregate classification (germline): Likely benign (1 of 4 stars; one submission).

gnomAD v4.1: 49 of 1,613,626 alleles (0.003%); highest among the groups gnomAD compares: African/African-American, 0.0093%; no homozygotes.

Submission:

CeGaT Center for Human Genetics Tuebingen
Classification: Likely benign. Last evaluated: 2025-04-01. Review status: criteria provided, single submitter. Criteria: CeGaT Center For Human Genetics Tuebingen Variant Classification Criteria Version 2. Collection method: clinical testing. Allele origin: germline. Affected: yes. Observed: 1 variant allele.
Comment: CUBN: BP4, BP7

NM_001081.4(CUBN):c.2862C>T (p.His954=)

Gene: CUBN (cubilin; minus strand). Cytogenetic location: 10p13.
Variant type: single nucleotide variant.
Coding change: c.2862C>T on transcript NM_001081.4 (MANE Select); coding-DNA position 2862, C replaced by T.
Protein change: p.His954=; no amino-acid change (histidine 954 retained).
Molecular consequence: synonymous variant.
Genome position (GRCh38, 1-based): chr10:17,068,210, G>A on the plus strand (C>T on the coding strand, the complement: CUBN is on the minus strand). VCF-style: chr10-17068210-G-A. GRCh37 (hg19) VCF-style: chr10-17110209-G-A.
Identifiers: ClinVar variation 3898147 (VCV003898147.7).